The following is an entry in ClinVar:

NM_002299.4(LCT):c.725C>T (p.Thr242Met)

Gene: LCT (lactase; minus strand). Cytogenetic location: 2q21.3.
Variant type: single nucleotide variant.
Coding change: c.725C>T on transcript NM_002299.4 (MANE Select); coding-DNA position 725, C replaced by T.
Protein change: p.Thr242Met; replaces threonine 242 with methionine.
Molecular consequence: missense variant.
Genome position (GRCh38, 1-based): chr2:135,829,672, G>A on the plus strand (C>T on the coding strand, the complement: LCT is on the minus strand). VCF-style: chr2-135829672-G-A. GRCh37 (hg19) VCF-style: chr2-136587242-G-A.
Other names: short protein forms T242M.
Identifiers: ClinVar variation 893285 (VCV000893285.6), dbSNP rs757179373, ClinGen allele CA1888545.

ClinVar aggregate classification (germline): Uncertain significance. Review status: criteria provided, multiple submitters, no conflicts (2 of 4 stars). 2 submissions from 2 submitters: Uncertain significance (2). Last evaluated 2024-10-22.

Conditions:
Congenital lactase deficiency. Also called: ALACTASIA, CONGENITAL; DISACCHARIDE INTOLERANCE II. Identifiers: Orphanet 53690, MedGen C0268179, MONDO:0009115, OMIM 223000.

Allele frequency attached by ClinVar (database versions not stated): gnomAD 0.00003; TOPMed 0.00003; gnomAD exomes 0.00005 and 0.00012; ExAC 0.00007.
gnomAD v4.1: 85 of 1,609,694 alleles (0.0053%); highest among the groups gnomAD compares: East Asian, 0.018%; no homozygotes.

Submissions (2):

Labcorp Genetics (formerly Invitae), Labcorp
Classification: Uncertain significance. Last evaluated: 2024-10-22. Review status: criteria provided, single submitter. Criteria: Invitae Variant Classification Sherloc (09022015). Collection method: clinical testing. Allele origin: germline.
Comment: This sequence change replaces threonine, which is neutral and polar, with methionine, which is neutral and non-polar, at codon 242 of the LCT protein (p.Thr242Met). This variant is present in population databases (rs757179373, gnomAD 0.02%). This variant has not been reported in the literature in individuals affected with LCT-related conditions. ClinVar contains an entry for this variant (Variation ID: 893285). An algorithm developed to predict the effect of missense changes on protein structure and function (PolyPhen-2) suggests that this variant¬†is likely to be tolerated. In summary, the available evidence is currently insufficient to determine the role of this variant in disease. Therefore, it has been classified as a Variant of Uncertain Significance.

Illumina Laboratory Services, Illumina
Classification: Uncertain significance for Congenital lactase deficiency. Last evaluated: 2018-01-13. Review status: criteria provided, single submitter. Criteria: ICSL Variant Classification Criteria 13 December 2019. Collection method: clinical testing. Allele origin: germline.